The following is an entry in ClinVar:

ClinVar aggregate classification (germline): Conflicting classifications of pathogenicity. Review status: criteria provided, conflicting classifications (1 of 4 stars). 3 submissions from 3 submitters: Uncertain significance (1); Likely benign (2). Last evaluated 2025-12-06.

Conditions:
VPS33B-related disorder. Also called: VPS33B-related condition.

Allele frequency attached by ClinVar (database versions not stated): gnomAD exomes below 0.00001; ExAC 0.00001; TOPMed 0.00005; gnomAD 0.00006 and 0.00008; ESP Exome Variant Server 0.00008.
gnomAD v4.1: 10 of 1,613,980 alleles (0.00062%); highest among the groups gnomAD compares: African/African-American, 0.013%; no homozygotes.

Submissions (3):

Labcorp Genetics (formerly Invitae), Labcorp
Classification: Likely benign. Last evaluated: 2025-12-06. Review status: criteria provided, single submitter. Criteria: Invitae Variant Classification Sherloc (09022015). Collection method: clinical testing. Allele origin: germline.

PreventionGenetics, part of Exact Sciences
Classification: Likely benign for VPS33B-related condition. Last evaluated: 2025-01-14. Review status: criteria provided, single submitter. Criteria: ACMG Guidelines, 2015. Collection method: clinical testing. Allele origin: germline.
Comment: This variant is classified as likely benign based on ACMG/AMP sequence variant interpretation guidelines (Richards et al. 2015 PMID: 25741868, with internal and published modifications).

Eurofins Ntd Llc (ga)
Classification: Uncertain significance. Last evaluated: 2017-08-15. Review status: criteria provided, single submitter. Criteria: EGL Classification Definitions 2015. Collection method: clinical testing. Allele origin: germline. Observed: 1 variant allele, 1 heterozygote.

NM_018668.5(VPS33B):c.1851C>T (p.Ala617=)

Gene: VPS33B (VPS33B late endosome and lysosome associated; minus strand). Cytogenetic location: 15q26.1.
Variant type: single nucleotide variant.
Coding change: c.1851C>T on transcript NM_018668.5 (MANE Select); coding-DNA position 1851, C replaced by T.
Protein change: p.Ala617=; no amino-acid change (alanine 617 retained).
Molecular consequence: synonymous variant.
Genome position (GRCh38, 1-based): chr15:90,998,978, G>A on the plus strand (C>T on the coding strand, the complement: VPS33B is on the minus strand). VCF-style: chr15-90998978-G-A. GRCh37 (hg19) VCF-style: chr15-91542208-G-A.
Other names: c.1770C>T, p.Ala590= (NM_001289148.1); c.1578C>T, p.Ala526= (NM_001289149.1); c.1851C>T (NM_018668.4).
Identifiers: ClinVar variation 593697 (VCV000593697.7), dbSNP rs145759754, ClinGen allele CA7744482.
Genomic context (GRCh38, chr15:90,998,978, plus strand): 5'-CTGCATCTCACTGAGGAATGTGTTCAGGGAAGATGTCAACACTGGCCGGGAAAAACATCA[G>A]GCTTTCACCTCACTCATGGCCTCCATAAGGCGAGCGCTGTTTGTGACTGCTGTCGTCAGG-3'
Protein context (NP_061138.3, residues 607-617): RLMEAMSEVK[Ala617=]